The following is an entry in ClinVar:

NM_001321120.2(TBX4):c.402-3C>G

Gene: TBX4 (T-box transcription factor 4; plus strand). Cytogenetic location: 17q23.2.
Variant type: single nucleotide variant.
Coding change: c.402-3C>G on transcript NM_001321120.2 (MANE Select); 3 bases into the intron before coding-DNA position 402, C replaced by G.
Molecular consequence: intron variant.
Genome position (GRCh38, 1-based): chr17:61,467,507, C>G. VCF-style: chr17-61467507-C-G. GRCh37 (hg19) VCF-style: chr17-59544868-C-G.
Other names: c.402-3C>G (NM_018488.3).
Identifiers: ClinVar variation 3731433 (VCV003731433.1).

ClinVar aggregate classification (germline): Uncertain significance (1 of 4 stars; one submission).

Conditions:
Coxopodopatellar syndrome. Also called: ISCHIOPATELLAR DYSPLASIA; Congenital coxa vara, patella aplasia and tarsal synostosis; SCOTT-TAOR SYNDROME; ISCHIOCOXOPODOPATELLAR SYNDROME WITH OR WITHOUT PULMONARY ARTERIAL HYPERTENSION; Small patella syndrome; ISCHIOCOXOPODOPATELLAR SYNDROME. Identifiers: Orphanet 1509, MedGen C1840061, MONDO:0007841, OMIM 147891.

gnomAD v4.1: 8 of 1,614,192 alleles (0.0005%); highest among the groups gnomAD compares: South Asian, 0.0077%; no homozygotes.

Submission:

Neuberg Centre For Genomic Medicine, NCGM
Classification: Uncertain significance for Coxopodopatellar syndrome. Review status: criteria provided, single submitter. Criteria: ACMG Guidelines, 2015. Collection method: clinical testing. Allele origin: germline. Inheritance: Autosomal dominant inheritance. Affected: yes.
Comment: The splice site variant c.402-3C>G in the TBX4 gene has not been reported previously as a pathogenic variant nor as a benign variant, to our knowledge. This variant is reported with the allele frequency (0.0003%) in the gnomAD Exomes. This variant has been reported to the ClinVar database as Likely Pathogenic. The variant affects the AG acceptor splice site upstream to exon 4. Loss of function variants have been previously reported to be disease causing (Galambos et al., 2019). Further studies are required to prove the pathogenicity of this variant. For these reasons, this variant has been classified as Uncertain Significance.